The following is an entry in ClinVar:

ClinVar aggregate classification (germline): Uncertain significance (1 of 4 stars; one submission).

Conditions:
Familial adenomatous polyposis 1 (FAP1). Also called: FAMILIAL ADENOMATOUS POLYPOSIS 1, ATTENUATED; POLYPOSIS, ADENOMATOUS INTESTINAL. Identifiers: MedGen C2713442, MONDO:0021056, OMIM 175100. Disease mechanism: loss of function.

Submission:

Labcorp Genetics (formerly Invitae), Labcorp
Classification: Uncertain significance for Familial adenomatous polyposis 1. Last evaluated: 2022-07-09. Review status: criteria provided, single submitter. Criteria: Invitae Variant Classification Sherloc (09022015). Collection method: clinical testing. Allele origin: germline.
Comment: This sequence change replaces asparagine, which is neutral and polar, with tyrosine, which is neutral and polar, at codon 550 of the APC protein (p.Asn550Tyr). This variant is not present in population databases (gnomAD no frequency). This variant has not been reported in the literature in individuals affected with APC-related conditions. Algorithms developed to predict the effect of missense changes on protein structure and function (SIFT, PolyPhen-2, Align-GVGD) all suggest that this variant is likely to be disruptive. In summary, the available evidence is currently insufficient to determine the role of this variant in disease. Therefore, it has been classified as a Variant of Uncertain Significance.

NM_000038.6(APC):c.1648A>T (p.Asn550Tyr)

Gene: APC (APC regulator of Wnt signaling pathway; plus strand). Cytogenetic location: 5q22.2.
Variant type: single nucleotide variant.
Coding change: c.1648A>T on transcript NM_000038.6 (MANE Select); coding-DNA position 1648, A replaced by T.
Protein change: p.Asn550Tyr; replaces asparagine 550 with tyrosine.
Molecular consequence: missense variant.
Genome position (GRCh38, 1-based): chr5:112,828,877, A>T. VCF-style: chr5-112828877-A-T. GRCh37 (hg19) VCF-style: chr5-112164574-A-T.
Other names: c.1648A>T, p.Asn550Tyr (NM_001127510.3, NM_001354895.2, NM_001407450.1); c.1594A>T, p.Asn532Tyr (NM_001127511.3); c.1702A>T, p.Asn568Tyr (NM_001354896.2, NM_001407447.1, NM_001407448.1 and 1 more transcripts); c.1678A>T, p.Asn560Tyr (NM_001354897.2); c.1573A>T, p.Asn525Tyr (NM_001354898.2); c.1564A>T, p.Asn522Tyr (NM_001354899.2); c.1525A>T, p.Asn509Tyr (NM_001354900.2); c.1471A>T, p.Asn491Tyr (NM_001354901.2, NM_001407453.1); and 11 more; short protein forms N424Y, N543Y, N550Y, N267Y, N390Y, N459Y, N467Y, N532Y.
Identifiers: ClinVar variation 2015500 (VCV002015500.4), dbSNP rs2149817078, ClinGen allele CA16024910.
Genomic context (GRCh38, chr5:112,828,877, plus strand): 5'-TTTTATGTATAAATTAATCTAAAATTGATTAATTTGCAGGTTATTGCGAGTGTTTTGAGG[A>T]ATTTGTCTTGGCGAGCAGATGTAAATAGTAAAAAGACGTTGCGAGAAGTTGGAAGTGTGA-3'
Protein context (NP_000029.2, residues 540-560): LQQVIASVLR[Asn550Tyr]LSWRADVNSK